The following is an entry in ClinVar:

ClinVar aggregate classification (germline): Uncertain significance (1 of 4 stars; one submission).

Conditions:
Charcot-Marie-Tooth disease type 4. Also called: Charcot-Marie-Tooth disease, type IV; Charcot-Marie-Tooth, Type 4. Identifiers: Orphanet 64749, MedGen C4082197, MONDO:0018995.

Allele frequency attached by ClinVar (database versions not stated): gnomAD exomes 0.00001.
gnomAD v4.1: 5 of 1,613,176 alleles (0.00031%); highest among the groups gnomAD compares: Non-Finnish European, 0.00042%; no homozygotes.

Submission:

Labcorp Genetics (formerly Invitae), Labcorp
Classification: Uncertain significance for Charcot-Marie-Tooth disease type 4. Last evaluated: 2021-09-01. Review status: criteria provided, single submitter. Criteria: Invitae Variant Classification Sherloc (09022015). Collection method: clinical testing. Allele origin: germline.
Comment: This sequence change replaces leucine with phenylalanine at codon 1094 of the PRX protein (p.Leu1094Phe). The leucine residue is moderately conserved and there is a small physicochemical difference between leucine and phenylalanine. This variant is not present in population databases (ExAC no frequency). This variant has not been reported in the literature in individuals affected with PRX-related conditions. Algorithms developed to predict the effect of missense changes on protein structure and function are either unavailable or do not agree on the potential impact of this missense change (SIFT: "Deleterious"; PolyPhen-2: "Possibly Damaging"; Align-GVGD: "Class C0"). In summary, the available evidence is currently insufficient to determine the role of this variant in disease. Therefore, it has been classified as a Variant of Uncertain Significance.

NM_181882.3(PRX):c.3280C>T (p.Leu1094Phe)

Gene: PRX (periaxin; minus strand). Cytogenetic location: 19q13.2.
Variant type: single nucleotide variant.
Coding change: c.3280C>T on transcript NM_181882.3 (MANE Select); coding-DNA position 3280, C replaced by T.
Protein change: p.Leu1094Phe; replaces leucine 1094 with phenylalanine.
Molecular consequence: missense variant. On other transcripts: 3 prime UTR variant (1).
Genome position (GRCh38, 1-based): chr19:40,395,072, G>A on the plus strand (C>T on the coding strand, the complement: PRX is on the minus strand). VCF-style: chr19-40395072-G-A. GRCh37 (hg19) VCF-style: chr19-40900979-G-A.
Other names: c.*3485C>T (NM_020956.2); short protein forms L1094F.
Identifiers: ClinVar variation 962197 (VCV000962197.7), dbSNP rs2079418891, ClinGen allele CA405894580.